The following is an entry in ClinVar:

ClinVar aggregate classification (germline): Uncertain significance (1 of 4 stars; one submission).

Conditions:
Lafora disease. Also called: Epilepsy progressive myoclonic 2; Progressive Myoclonus Epilepsy, Lafora Type. Identifiers: Orphanet 501, MedGen C0751783, MONDO:0009697.

Allele frequency attached by ClinVar (database versions not stated): gnomAD exomes below 0.00001.
gnomAD v4.1: 4 of 1,614,206 alleles (0.00025%); highest among the groups gnomAD compares: South Asian, 0.0011%; no homozygotes.

Submission:

Labcorp Genetics (formerly Invitae), Labcorp
Classification: Uncertain significance for Lafora disease. Last evaluated: 2022-02-11. Review status: criteria provided, single submitter. Criteria: Invitae Variant Classification Sherloc (09022015). Collection method: clinical testing. Allele origin: germline.
Comment: ClinVar contains an entry for this variant (Variation ID: 969123). Algorithms developed to predict the effect of missense changes on protein structure and function are either unavailable or do not agree on the potential impact of this missense change (SIFT: "Deleterious"; PolyPhen-2: "Possibly Damaging"; Align-GVGD: "Class C0"). In summary, the available evidence is currently insufficient to determine the role of this variant in disease. Therefore, it has been classified as a Variant of Uncertain Significance. This variant has not been reported in the literature in individuals affected with NHLRC1-related conditions. This sequence change replaces threonine, which is neutral and polar, with asparagine, which is neutral and polar, at codon 370 of the NHLRC1 protein (p.Thr370Asn). This variant is present in population databases (no rsID available, gnomAD 0.0009%).

NM_198586.3(NHLRC1):c.1109C>A (p.Thr370Asn)

Gene: NHLRC1 (NHL repeat containing E3 ubiquitin protein ligase 1; minus strand). Cytogenetic location: 6p22.3.
Variant type: single nucleotide variant.
Coding change: c.1109C>A on transcript NM_198586.3 (MANE Select); coding-DNA position 1109, C replaced by A.
Protein change: p.Thr370Asn; replaces threonine 370 with asparagine.
Molecular consequence: missense variant.
Genome position (GRCh38, 1-based): chr6:18,121,498, G>T on the plus strand (C>A on the coding strand, the complement: NHLRC1 is on the minus strand). VCF-style: chr6-18121498-G-T. GRCh37 (hg19) VCF-style: chr6-18121729-G-T.
Other names: short protein forms T370N.
Identifiers: ClinVar variation 969123 (VCV000969123.10), dbSNP rs1422730903, ClinGen allele CA362824728.
Genomic context (GRCh38, chr6:18,121,498, plus strand): 5'-TAGACTTTTATAGAATGAGATGCTGTGTCCAGCACAAGAAGAGAATTCTCCTTGGTGAAG[G>T]TAAGAGCCACAGGATGCGAAAGACCATGAGTGACCATGGGCTTCGGTACTGGAAACTCCT-3'
Protein context (NP_940988.2, residues 360-380): THGLSHPVAL[Thr370Asn]FTKENSLLVL